The following is an entry in ClinVar:

ClinVar aggregate classification (germline): Pathogenic/Likely pathogenic. Review status: criteria provided, multiple submitters, no conflicts (2 of 4 stars). 2 submissions from 2 submitters: Pathogenic (1); Likely pathogenic (1). Last evaluated 2024-05-11.

Conditions:
Osteogenesis imperfecta type 7 (OI7). Also called: OI type 7; OI type VII; Osteogenesis imperfecta type 2B; OI type 2B; OSTEOGENESIS IMPERFECTA, TYPE IIB; Osteogenesis imperfecta, perinatal lethal autosomal recessive. Identifiers: MedGen C1853162, MONDO:0012536, OMIM 610682.

Submissions (2):

Fulgent Genetics
Classification: Likely pathogenic for Osteogenesis imperfecta type 7. Last evaluated: 2024-05-11. Review status: criteria provided, single submitter. Criteria: ACMG Guidelines, 2015. Collection method: clinical testing. Allele origin: germline.

Labcorp Genetics (formerly Invitae), Labcorp
Classification: Pathogenic for Osteogenesis imperfecta type 7. Last evaluated: 2023-10-28. Review status: criteria provided, single submitter. Criteria: Invitae Variant Classification Sherloc (09022015). Collection method: clinical testing. Allele origin: germline.
Comment: This sequence change creates a premature translational stop signal (p.Ala9Glyfs*7) in the CRTAP gene. It is expected to result in an absent or disrupted protein product. Loss-of-function variants in CRTAP are known to be pathogenic (PMID: 17055431, 19862557, 24715559). This variant is not present in population databases (gnomAD no frequency). This premature translational stop signal has been observed in individual(s) with autosomal recessive osteogenesis imperfecta (PMID: 33093841). For these reasons, this variant has been classified as Pathogenic.

Literature cited by the submitters: PubMed 17055431 (cited by Labcorp Genetics (formerly Invitae), Labcorp); PubMed 19862557 (cited by Labcorp Genetics (formerly Invitae), Labcorp); PubMed 24715559 (cited by Labcorp Genetics (formerly Invitae), Labcorp); PubMed 33093841 (cited by Labcorp Genetics (formerly Invitae), Labcorp).

NM_006371.5(CRTAP):c.18_25dup (p.Ala9fs)

Genes: CRTAP (cartilage associated protein; plus strand), LOC129936436 (ATAC-STARR-seq lymphoblastoid silent region 14183; plus strand). Cytogenetic location: 3p22.3.
Variant type: Duplication.
Coding change: c.18_25dup on transcript NM_006371.5 (MANE Select); coding-DNA positions 18 to 25, 8 bases duplicated (GGGGGCCG; older notation c.18_25dupGGGGGCCG).
Protein change: p.Ala9fs; shifts the reading frame from alanine 9.
Molecular consequence: frameshift variant.
Genome position (GRCh38, 1-based): chr3:33,114,095-33,114,102, GGGGGCCG duplicated; duplicating any 8 consecutive bases within chr3:33,114,091-33,114,102 gives the same sequence; the c. name uses the placement nearest the transcript's 3' end. VCF-style (leftmost placement, unchanged base first): chr3-33114090-C-CGCCGGGGG. GRCh37 (hg19) VCF-style: chr3-33155582-C-CGCCGGGGG.
Other names: c.18_25dup, p.Ala9fs (NM_001393363.1, NM_001393364.1, NM_001393365.1); short protein forms A9fs.
Identifiers: ClinVar variation 2725831 (VCV002725831.4), dbSNP rs1701306659, ClinGen allele CA1046634949.